The following is an entry in ClinVar:

NM_001365999.1(SZT2):c.259G>C (p.Val87Leu)

Gene: SZT2 (SZT2 subunit of KICSTOR complex; plus strand). Cytogenetic location: 1p34.2.
Variant type: single nucleotide variant.
Coding change: c.259G>C on transcript NM_001365999.1 (MANE Select); coding-DNA position 259, G replaced by C.
Protein change: p.Val87Leu; replaces valine 87 with leucine.
Molecular consequence: missense variant.
Genome position (GRCh38, 1-based): chr1:43,403,706, G>C. VCF-style: chr1-43403706-G-C. GRCh37 (hg19) VCF-style: chr1-43869377-G-C.
Other names: c.259G>C, p.Val87Leu (NM_015284.4); short protein forms V87L.
Identifiers: ClinVar variation 2012229 (VCV002012229.1), dbSNP rs1193615889, ClinGen allele CA339996193.

ClinVar aggregate classification (germline): Uncertain significance (1 of 4 stars; one submission).

gnomAD v4.1: 2 of 1,614,138 alleles (0.00012%); highest among the groups gnomAD compares: South Asian, 0.0011%; no homozygotes.

Submission:

Labcorp Genetics (formerly Invitae), Labcorp
Classification: Uncertain significance. Last evaluated: 2022-06-29. Review status: criteria provided, single submitter. Criteria: Invitae Variant Classification Sherloc (09022015). Collection method: clinical testing. Allele origin: germline.
Comment: This sequence change replaces valine, which is neutral and non-polar, with leucine, which is neutral and non-polar, at codon 87 of the SZT2 protein (p.Val87Leu). This variant is present in population databases (no rsID available, gnomAD 0.003%). This variant has not been reported in the literature in individuals affected with SZT2-related conditions. Algorithms developed to predict the effect of missense changes on protein structure and function are either unavailable or do not agree on the potential impact of this missense change (SIFT: "Tolerated"; PolyPhen-2: "Probably Damaging"; Align-GVGD: "Class C0"). In summary, the available evidence is currently insufficient to determine the role of this variant in disease. Therefore, it has been classified as a Variant of Uncertain Significance.